The following is an entry in ClinVar:

NM_017752.3(TBC1D8B):c.1142T>C (p.Val381Ala)

Gene: TBC1D8B (TBC1 domain family member 8B; plus strand). Cytogenetic location: Xq22.3.
Variant type: single nucleotide variant.
Coding change: c.1142T>C on transcript NM_017752.3 (MANE Select); coding-DNA position 1142, T replaced by C.
Protein change: p.Val381Ala; replaces valine 381 with alanine.
Molecular consequence: missense variant.
Genome position (GRCh38, 1-based): chrX:106,827,276, T>C. VCF-style: chrX-106827276-T-C. GRCh37 (hg19) VCF-style: chrX-106070506-T-C.
Other names: c.1142T>C, p.Val381Ala (NM_198881.2); short protein forms V381A.
Identifiers: ClinVar variation 2073834 (VCV002073834.29), dbSNP rs200064920, ClinGen allele CA10483067.

ClinVar aggregate classification (germline): Conflicting classifications of pathogenicity. Review status: criteria provided, conflicting classifications (1 of 4 stars). 4 submissions from 4 submitters: Uncertain significance (2); Likely benign (1). 1 of the submissions does not count toward it. Last evaluated 2025-01-07.

Conditions:
TBC1D8B-related disorder. Also called: TBC1D8B-related condition.

Allele frequency attached by ClinVar (database versions not stated): gnomAD 0.00010; ExAC 0.00013; TOPMed 0.00014; gnomAD exomes 0.00022; ESP Exome Variant Server 0.00038.

Submissions (4):

Ambry Genetics
Classification: Uncertain significance. Last evaluated: 2025-01-07. Review status: criteria provided, single submitter. Criteria: Ambry Variant Classification Scheme 2023. Collection method: clinical testing. Allele origin: germline.

CeGaT Center for Human Genetics Tuebingen
Classification: Likely benign. Last evaluated: 2022-03-01. Review status: criteria provided, single submitter. Criteria: CeGaT Center For Human Genetics Tuebingen Variant Classification Criteria Version 2. Collection method: clinical testing. Allele origin: germline. Affected: yes. Observed: 1 variant allele.
Comment: TBC1D8B: BP4, BS1

Labcorp Genetics (formerly Invitae), Labcorp
Classification: Uncertain significance. Last evaluated: 2022-01-21. Review status: criteria provided, single submitter. Criteria: Invitae Variant Classification Sherloc (09022015). Collection method: clinical testing. Allele origin: germline.
Comment: In summary, the available evidence is currently insufficient to determine the role of this variant in disease. Therefore, it has been classified as a Variant of Uncertain Significance. Algorithms developed to predict the effect of missense changes on protein structure and function (SIFT, PolyPhen-2, Align-GVGD) all suggest that this variant is likely to be tolerated. This variant has not been reported in the literature in individuals affected with TBC1D8B-related conditions. This variant is present in population databases (rs200064920, gnomAD 0.03%), and has an allele count higher than expected for a pathogenic variant. This sequence change replaces valine, which is neutral and non-polar, with alanine, which is neutral and non-polar, at codon 381 of the TBC1D8B protein (p.Val381Ala).

PreventionGenetics, part of Exact Sciences
Classification: Likely benign for TBC1D8B-related condition. Last evaluated: 2023-02-01. Review status: no assertion criteria provided. Collection method: clinical testing. Allele origin: germline. Not counted in ClinVar's aggregate classification.
Comment: This variant is classified as likely benign based on ACMG/AMP sequence variant interpretation guidelines (Richards et al. 2015 PMID: 25741868, with internal and published modifications).